The following is an entry in ClinVar:

ClinVar aggregate classification (germline): Uncertain significance (1 of 4 stars; one submission).

gnomAD v4.1: 19 of 1,613,996 alleles (0.0012%); highest among the groups gnomAD compares: Non-Finnish European, 0.0015%; no homozygotes.

Submission:

Labcorp Genetics (formerly Invitae), Labcorp
Classification: Uncertain significance. Last evaluated: 2022-03-18. Review status: criteria provided, single submitter. Criteria: Invitae Variant Classification Sherloc (09022015). Collection method: clinical testing. Allele origin: germline.
Comment: This sequence change replaces asparagine, which is neutral and polar, with serine, which is neutral and polar, at codon 2203 of the VPS13A protein (p.Asn2203Ser). This variant is present in population databases (rs769295188, gnomAD 0.005%). This variant has not been reported in the literature in individuals affected with VPS13A-related conditions. Algorithms developed to predict the effect of missense changes on protein structure and function output the following: SIFT: "Tolerated"; PolyPhen-2: "Benign"; Align-GVGD: "Class C0". The serine amino acid residue is found in multiple mammalian species, which suggests that this missense change does not adversely affect protein function. Algorithms developed to predict the effect of sequence changes on RNA splicing suggest that this variant may create or strengthen a splice site. In summary, the available evidence is currently insufficient to determine the role of this variant in disease. Therefore, it has been classified as a Variant of Uncertain Significance.

NM_033305.3(VPS13A):c.6608A>G (p.Asn2203Ser)

Gene: VPS13A (vacuolar protein sorting 13 homolog A; plus strand). Cytogenetic location: 9q21.2.
Variant type: single nucleotide variant.
Coding change: c.6608A>G on transcript NM_033305.3 (MANE Select); coding-DNA position 6608, A replaced by G.
Protein change: p.Asn2203Ser; replaces asparagine 2203 with serine.
Molecular consequence: missense variant.
Genome position (GRCh38, 1-based): chr9:77,339,745, A>G. VCF-style: chr9-77339745-A-G. GRCh37 (hg19) VCF-style: chr9-79954661-A-G.
Other names: c.6491A>G, p.Asn2164Ser (NM_001018037.2); c.6608A>G, p.Asn2203Ser (NM_001018038.3, NM_015186.4); short protein forms N2203S, N2164S.
Identifiers: ClinVar variation 1347370 (VCV001347370.5), dbSNP rs769295188, ClinGen allele CA5093072.